The following is an entry in ClinVar:

NM_015570.4(AUTS2):c.2083C>T (p.Leu695Phe)

Gene: AUTS2 (activator of transcription and developmental regulator AUTS2; plus strand). Cytogenetic location: 7q11.22.
Variant type: single nucleotide variant.
Coding change: c.2083C>T on transcript NM_015570.4 (MANE Select); coding-DNA position 2083, C replaced by T.
Protein change: p.Leu695Phe; replaces leucine 695 with phenylalanine.
Molecular consequence: missense variant.
Genome position (GRCh38, 1-based): chr7:70,781,693, C>T. VCF-style: chr7-70781693-C-T. GRCh37 (hg19) VCF-style: chr7-70246679-C-T.
Other names: c.2011C>T, p.Leu671Phe (NM_001127231.3); short protein forms L671F, L695F.
Identifiers: ClinVar variation 4686848 (VCV004686848.1).
Genomic context (GRCh38, chr7:70,781,693, plus strand): 5'-CCACATAAGCTGGACTTTGGACTGAAACCTGAGTTCCTGAGCCGCCCTCCAGGCCCCAGT[C>T]TTTTTGGAGCCATCCACCACCCCCATGACCTGGCACGGCCTTCAACTTTGTTCTCTGCCG-3'
Protein context (NP_056385.1, residues 685-705): EFLSRPPGPS[Leu695Phe]FGAIHHPHDL

ClinVar aggregate classification (germline): Uncertain significance (1 of 4 stars; one submission).

Submission:

GeneDx
Classification: Uncertain significance. Last evaluated: 2025-07-22. Review status: criteria provided, single submitter. Criteria: GeneDx Variant Classification Process June 2021. Collection method: clinical testing. Allele origin: germline. Affected: yes.
Comment: Not observed at significant frequency in large population cohorts (gnomAD); In silico analysis suggests that this missense variant does not alter protein structure/function; Has not been previously published as pathogenic or benign to our knowledge